The following is an entry in ClinVar:

ClinVar aggregate classification (germline): Uncertain significance (1 of 4 stars; one submission).

Allele frequency attached by ClinVar (database versions not stated): gnomAD exomes below 0.00001; TOPMed 0.00001; ExAC 0.00005.
gnomAD v4.1: 2 of 1,551,386 alleles (0.00013%); highest among the groups gnomAD compares: Non-Finnish European, 0.00017%; no homozygotes.

Submission:

Labcorp Genetics (formerly Invitae), Labcorp
Classification: Uncertain significance. Last evaluated: 2024-04-30. Review status: criteria provided, single submitter. Criteria: Invitae Variant Classification Sherloc (09022015). Collection method: clinical testing. Allele origin: germline.
Comment: This sequence change replaces isoleucine, which is neutral and non-polar, with valine, which is neutral and non-polar, at codon 759 of the ZSWIM6 protein (p.Ile759Val). This variant is not present in population databases (gnomAD no frequency). This variant has not been reported in the literature in individuals affected with ZSWIM6-related conditions. Advanced modeling of protein sequence and biophysical properties (such as structural, functional, and spatial information, amino acid conservation, physicochemical variation, residue mobility, and thermodynamic stability) performed at Invitae indicates that this missense variant is not expected to disrupt ZSWIM6 protein function with a negative predictive value of 80%. In summary, the available evidence is currently insufficient to determine the role of this variant in disease. Therefore, it has been classified as a Variant of Uncertain Significance.

NM_020928.2(ZSWIM6):c.2275A>G (p.Ile759Val)

Gene: ZSWIM6 (zinc finger SWIM-type containing 6; plus strand). Cytogenetic location: 5q12.1.
Variant type: single nucleotide variant.
Coding change: c.2275A>G on transcript NM_020928.2 (MANE Select); coding-DNA position 2275, A replaced by G.
Protein change: p.Ile759Val; replaces isoleucine 759 with valine.
Molecular consequence: missense variant.
Genome position (GRCh38, 1-based): chr5:61,535,513, A>G. VCF-style: chr5-61535513-A-G. GRCh37 (hg19) VCF-style: chr5-60831340-A-G.
Other names: short protein forms I759V.
Identifiers: ClinVar variation 2878827 (VCV002878827.3), dbSNP rs779327058, ClinGen allele CA3278436.